The following is an entry in ClinVar:

NM_000095.3(COMP):c.2212C>T (p.Arg738Cys)

Gene: COMP (cartilage oligomeric matrix protein; minus strand). Cytogenetic location: 19p13.11.
Variant type: single nucleotide variant.
Coding change: c.2212C>T on transcript NM_000095.3 (MANE Select); coding-DNA position 2212, C replaced by T.
Protein change: p.Arg738Cys; replaces arginine 738 with cysteine.
Molecular consequence: missense variant.
Genome position (GRCh38, 1-based): chr19:18,783,069, G>A on the plus strand (C>T on the coding strand, the complement: COMP is on the minus strand). VCF-style: chr19-18783069-G-A. GRCh37 (hg19) VCF-style: chr19-18893879-G-A.
Other names: short protein forms R738C.
Identifiers: ClinVar variation 1903385 (VCV001903385.5), dbSNP rs776802201, ClinGen allele CA9316150.

ClinVar aggregate classification (germline): Uncertain significance (1 of 4 stars; one submission).

Allele frequency attached by ClinVar (database versions not stated): gnomAD exomes 0.00002.
gnomAD v4.1: 31 of 1,612,128 alleles (0.0019%); highest among the groups gnomAD compares: Admixed American, 0.0033%; no homozygotes.

Submission:

Labcorp Genetics (formerly Invitae), Labcorp
Classification: Uncertain significance. Last evaluated: 2022-09-27. Review status: criteria provided, single submitter. Criteria: Invitae Variant Classification Sherloc (09022015). Collection method: clinical testing. Allele origin: germline.
Comment: This sequence change replaces arginine, which is basic and polar, with cysteine, which is neutral and slightly polar, at codon 738 of the COMP protein (p.Arg738Cys). This variant is present in population databases (rs776802201, gnomAD 0.003%). This variant has not been reported in the literature in individuals affected with COMP-related conditions. Advanced modeling of protein sequence and biophysical properties (such as structural, functional, and spatial information, amino acid conservation, physicochemical variation, residue mobility, and thermodynamic stability) performed at Invitae indicates that this missense variant is not expected to disrupt COMP protein function. In summary, the available evidence is currently insufficient to determine the role of this variant in disease. Therefore, it has been classified as a Variant of Uncertain Significance.